The following is an entry in ClinVar:

NM_000540.3(RYR1):c.7617C>T (p.Ala2539=)

Gene: RYR1 (ryanodine receptor 1; plus strand). Cytogenetic location: 19q13.2.
Variant type: single nucleotide variant.
Coding change: c.7617C>T on transcript NM_000540.3 (MANE Select); coding-DNA position 7617, C replaced by T.
Protein change: p.Ala2539=; no amino-acid change (alanine 2539 retained).
Molecular consequence: synonymous variant.
Genome position (GRCh38, 1-based): chr19:38,502,509, C>T. VCF-style: chr19-38502509-C-T. GRCh37 (hg19) VCF-style: chr19-38993149-C-T.
Other names: c.7617C>T, p.Ala2539= (NM_001042723.2).
Identifiers: ClinVar variation 4537029 (VCV004537029.2).

ClinVar aggregate classification (germline): Conflicting classifications of pathogenicity. Review status: criteria provided, conflicting classifications (1 of 4 stars). 2 submissions from 2 submitters: Uncertain significance (1); Likely benign (1). Last evaluated 2026-01-19.

Conditions:
RYR1-related disorder. Also called: RYR1-related condition; RYR1-related disorders. Identifiers: MedGen CN239331.

gnomAD v4.1: 22 of 1,580,786 alleles (0.0014%); highest among the groups gnomAD compares: Non-Finnish European, 0.0019%; no homozygotes.

Submissions (2):

Labcorp Genetics (formerly Invitae), Labcorp
Classification: Likely benign for RYR1-related disorder. Last evaluated: 2026-01-19. Review status: criteria provided, single submitter. Criteria: Invitae Variant Classification Sherloc (09022015). Collection method: clinical testing. Allele origin: germline.

Women's Health and Genetics/Laboratory Corporation of America, LabCorp
Classification: Uncertain significance. Last evaluated: 2025-11-05. Review status: criteria provided, single submitter. Criteria: LabCorp Variant Classification Summary - May 2015. Collection method: clinical testing. Allele origin: germline.
Comment: Variant summary: RYR1 c.7617C>T (p.Ala2539Ala) alters a conserved nucleotide located close to a canonical splice site and therefore could affect mRNA splicing, leading to a significantly altered protein sequence. Consensus agreement among computation tools predict no significant impact on normal splicing. However, these predictions have yet to be confirmed by functional studies. The variant allele was found at a frequency of 4.1e-06 in 243342 control chromosomes. The available data on variant occurrences in the general population are insufficient to allow any conclusion about variant significance. To our knowledge, no occurrence of c.7617C>T in individuals affected with RYR1-related conditions and no experimental evidence demonstrating its impact on protein function have been reported. No submitters have cited clinical-significance assessments for this variant to ClinVar. Based on the evidence outlined above, the variant was classified as uncertain significance.